The following is an entry in ClinVar:

NM_020458.4(TTC7A):c.1637G>A (p.Arg546Gln)

Gene: TTC7A (tetratricopeptide repeat domain 7A; plus strand). Cytogenetic location: 2p21.
Variant type: single nucleotide variant.
Coding change: c.1637G>A on transcript NM_020458.4 (MANE Select); coding-DNA position 1637, G replaced by A.
Protein change: p.Arg546Gln; replaces arginine 546 with glutamine.
Molecular consequence: missense variant.
Genome position (GRCh38, 1-based): chr2:47,024,355, G>A. VCF-style: chr2-47024355-G-A. GRCh37 (hg19) VCF-style: chr2-47251494-G-A.
Other names: c.1637G>A, p.Arg546Gln (NM_001288951.2, LRG_1323t1); c.1535G>A, p.Arg512Gln (NM_001288953.2); c.575G>A, p.Arg192Gln (NM_001288955.2); c.1637G>A (NM_020458.2); short protein forms R546Q, R192Q, R512Q.
Identifiers: ClinVar variation 663917 (VCV000663917.7), dbSNP rs180673878, ClinGen allele CA1647776.

ClinVar aggregate classification (germline): Uncertain significance. Review status: criteria provided, multiple submitters, no conflicts (2 of 4 stars). 2 submissions from 2 submitters: Uncertain significance (2). Last evaluated 2025-08-07.

Conditions:
Multiple gastrointestinal atresias. Also called: FAMILIAL INTESTINAL POLYATRESIA SYNDROME; Multiple intestinal atresia. Identifiers: Orphanet 2300, MedGen C0220744, MONDO:0009465.
Inborn genetic diseases. Identifiers: MedGen C0950123, MeSH D030342.

Allele frequency attached by ClinVar (database versions not stated): TOPMed 0.00004; ESP Exome Variant Server 0.00008; 1000 Genomes Project 30x 0.00016; 1000 Genomes Project 0.00020.
gnomAD v4.1: 53 of 1,605,070 alleles (0.0033%); highest among the groups gnomAD compares: Non-Finnish European, 0.0036%; no homozygotes.

Submissions (2):

Ambry Genetics
Classification: Uncertain significance for Inborn genetic diseases. Last evaluated: 2025-08-07. Review status: criteria provided, single submitter. Criteria: Ambry Variant Classification Scheme 2023. Collection method: clinical testing. Allele origin: germline.

Labcorp Genetics (formerly Invitae), Labcorp
Classification: Uncertain significance for Multiple gastrointestinal atresias. Last evaluated: 2022-08-19. Review status: criteria provided, single submitter. Criteria: Invitae Variant Classification Sherloc (09022015). Collection method: clinical testing. Allele origin: germline.
Comment: This sequence change replaces arginine, which is basic and polar, with glutamine, which is neutral and polar, at codon 546 of the TTC7A protein (p.Arg546Gln). The frequency data for this variant in the population databases is considered unreliable, as metrics indicate poor data quality at this position in the gnomAD database. This variant has not been reported in the literature in individuals affected with TTC7A-related conditions. ClinVar contains an entry for this variant (Variation ID: 663917). Algorithms developed to predict the effect of missense changes on protein structure and function are either unavailable or do not agree on the potential impact of this missense change (SIFT: "Tolerated"; PolyPhen-2: "Probably Damaging"; Align-GVGD: "Class C0"). In summary, the available evidence is currently insufficient to determine the role of this variant in disease. Therefore, it has been classified as a Variant of Uncertain Significance.